The following is an entry in ClinVar:

ClinVar aggregate classification (germline): Uncertain significance. Review status: criteria provided, multiple submitters, no conflicts (2 of 4 stars). 3 submissions from 3 submitters: Uncertain significance (3). Last evaluated 2026-09-23.

Conditions:
Inborn genetic diseases. Identifiers: MedGen C0950123, MeSH D030342.

Allele frequency attached by ClinVar (database versions not stated): gnomAD 0.00012 and 0.00011; TOPMed 0.00013; ESP Exome Variant Server 0.00031; gnomAD exomes below 0.00001 and 0.00002; ExAC 0.00003; 1000 Genomes Project 30x 0.00016.
gnomAD v4.1: 24 of 1,613,864 alleles (0.0015%); highest among the groups gnomAD compares: African/African-American, 0.023%; no homozygotes.

Submissions (3):

GeneDx
Classification: Uncertain significance. Last evaluated: 2026-09-23. Review status: criteria provided, single submitter. Criteria: GeneDx Variant Classification Process June 2021. Collection method: clinical testing. Allele origin: germline.
Comment: In silico analysis suggests that this missense variant does not alter protein structure/function; Has not been previously published as pathogenic or benign to our knowledge

Ambry Genetics
Classification: Uncertain significance for Inborn genetic diseases. Last evaluated: 2025-01-16. Review status: criteria provided, single submitter. Criteria: Ambry Variant Classification Scheme 2023. Collection method: clinical testing. Allele origin: germline.

Labcorp Genetics (formerly Invitae), Labcorp
Classification: Uncertain significance. Last evaluated: 2024-02-17. Review status: criteria provided, single submitter. Criteria: Invitae Variant Classification Sherloc (09022015). Collection method: clinical testing. Allele origin: germline.
Comment: This sequence change replaces histidine, which is basic and polar, with arginine, which is basic and polar, at codon 503 of the ILDR1 protein (p.His503Arg). This variant is present in population databases (rs146413045, gnomAD 0.04%). This variant has not been reported in the literature in individuals affected with ILDR1-related conditions. ClinVar contains an entry for this variant (Variation ID: 1389011). An algorithm developed to predict the effect of missense changes on protein structure and function (PolyPhen-2) suggests that this variant is likely to be tolerated. In summary, the available evidence is currently insufficient to determine the role of this variant in disease. Therefore, it has been classified as a Variant of Uncertain Significance.

NM_001199799.2(ILDR1):c.1508A>G (p.His503Arg)

Gene: ILDR1 (immunoglobulin like domain containing receptor 1; minus strand). Cytogenetic location: 3q13.33.
Variant type: single nucleotide variant.
Coding change: c.1508A>G on transcript NM_001199799.2 (MANE Select); coding-DNA position 1508, A replaced by G.
Protein change: p.His503Arg; replaces histidine 503 with arginine.
Molecular consequence: missense variant.
Genome position (GRCh38, 1-based): chr3:121,993,241, T>C on the plus strand (A>G on the coding strand, the complement: ILDR1 is on the minus strand). VCF-style: chr3-121993241-T-C. GRCh37 (hg19) VCF-style: chr3-121712088-T-C.
Other names: c.1241A>G, p.His414Arg (NM_001199800.2); c.1376A>G, p.His459Arg (NM_175924.4); short protein forms H414R, H459R, H503R.
Identifiers: ClinVar variation 1389011 (VCV001389011.11), dbSNP rs146413045, ClinGen allele CA2568644.
Genomic context (GRCh38, chr3:121,993,241, plus strand): 5'-CTATTCTTGCCTGGAGTGATATCAAGTGAGCGGTAGCTAGGCGGCTTCTCCTCGGGCCAG[T>C]GTGGGGAGTGCGAGCCGCGGCGGTGGGCCCGCCAGCTCTGGGGCTGCCTCTCCTTGTCCT-3'
Protein context (NP_001186728.1, residues 493-513): RAHRRGSHSP[His503Arg]WPEEKPPSYR